The following is an entry in ClinVar:

NM_194454.3(KRIT1):c.1332G>A (p.Val444=)

Gene: KRIT1 (KRIT1 ankyrin repeat containing; minus strand). Cytogenetic location: 7q21.2.
Variant type: single nucleotide variant.
Coding change: c.1332G>A on transcript NM_194454.3 (MANE Select); coding-DNA position 1332, G replaced by A.
Protein change: p.Val444=; no amino-acid change (valine 444 retained).
Molecular consequence: synonymous variant.
Genome position (GRCh38, 1-based): chr7:92,222,901, C>T on the plus strand (G>A on the coding strand, the complement: KRIT1 is on the minus strand). VCF-style: chr7-92222901-C-T. GRCh37 (hg19) VCF-style: chr7-91852215-C-T.
Other names: c.1332G>A, p.Val444= (NM_001350694.1, NM_001350695.1, NM_001350696.1 and 26 more transcripts); c.1188G>A, p.Val396= (NM_001013406.2, NM_001350669.1, NM_001350670.1); c.618G>A, p.Val206= (NM_001350671.1).
Identifiers: ClinVar variation 2625373 (VCV002625373.4), dbSNP rs559639590, ClinGen allele CA4339136.

ClinVar aggregate classification (germline): Likely benign. Review status: criteria provided, multiple submitters, no conflicts (2 of 4 stars). 3 submissions from 3 submitters: Likely benign (3). Last evaluated 2026-03-12.

Conditions:
Inborn genetic diseases. Identifiers: MedGen C0950123, MeSH D030342.
KRIT1-related disorder. Also called: KRIT1-related condition; KRIT1-related disorders.

Allele frequency attached by ClinVar (database versions not stated): gnomAD exomes below 0.00001; TOPMed below 0.00001; ExAC 0.00001; gnomAD 0.00001; 1000 Genomes Project 30x 0.00016; 1000 Genomes Project 0.00020.
gnomAD v4.1: 6 of 1,602,194 alleles (0.00037%); highest among the groups gnomAD compares: East Asian, 0.011%; no homozygotes.

Submissions (3):

PreventionGenetics, part of Exact Sciences
Classification: Likely benign for KRIT1-related condition. Last evaluated: 2026-03-12. Review status: criteria provided, single submitter. Criteria: ACMG Guidelines, 2015. Collection method: clinical testing. Allele origin: germline.
Comment: This variant is classified as likely benign based on ACMG/AMP sequence variant interpretation guidelines (Richards et al. 2015 PMID: 25741868, with internal and published modifications).

Women's Health and Genetics/Laboratory Corporation of America, LabCorp
Classification: Likely benign. Last evaluated: 2026-02-18. Review status: criteria provided, single submitter. Criteria: LabCorp Variant Classification Summary - May 2015. Collection method: clinical testing. Allele origin: germline.

Ambry Genetics
Classification: Likely benign for Inborn genetic diseases. Last evaluated: 2023-07-13. Review status: criteria provided, single submitter. Criteria: Ambry Variant Classification Scheme 2023. Collection method: clinical testing. Allele origin: germline.